The following is an entry in ClinVar:

ClinVar aggregate classification (germline): Uncertain significance (1 of 4 stars; one submission).

Conditions:
Multiple acyl-CoA dehydrogenase deficiency (MADD). Also called: ETHYLMALONIC-ADIPICACIDURIA; GA II; Glutaric aciduria, type 2; Glutaric acidemia type II; GA 2; Glutaric Acidemia type 2. Identifiers: Orphanet 26791, MedGen C0268596, MONDO:0009282, OMIM 231680.

Allele frequency attached by ClinVar (database versions not stated): gnomAD exomes below 0.00001.
gnomAD v4.1: 2 of 1,612,764 alleles (0.00012%); highest among the groups gnomAD compares: Admixed American, 0.0033%; no homozygotes.

Submission:

Labcorp Genetics (formerly Invitae), Labcorp
Classification: Uncertain significance for Multiple acyl-CoA dehydrogenase deficiency. Last evaluated: 2022-03-11. Review status: criteria provided, single submitter. Criteria: Invitae Variant Classification Sherloc (09022015). Collection method: clinical testing. Allele origin: germline.
Comment: In summary, the available evidence is currently insufficient to determine the role of this variant in disease. Therefore, it has been classified as a Variant of Uncertain Significance. Algorithms developed to predict the effect of missense changes on protein structure and function output the following: SIFT: "Tolerated"; PolyPhen-2: "Benign"; Align-GVGD: "Class C0". The threonine amino acid residue is found in multiple mammalian species, which suggests that this missense change does not adversely affect protein function. This variant has not been reported in the literature in individuals affected with ETFA-related conditions. This variant is present in population databases (no rsID available, gnomAD 0.006%). This sequence change replaces alanine, which is neutral and non-polar, with threonine, which is neutral and polar, at codon 34 of the ETFA protein (p.Ala34Thr).

NM_000126.4(ETFA):c.100G>A (p.Ala34Thr)

Gene: ETFA (electron transfer flavoprotein subunit alpha; minus strand). Cytogenetic location: 15q24.2.
Variant type: single nucleotide variant.
Coding change: c.100G>A on transcript NM_000126.4 (MANE Select); coding-DNA position 100, G replaced by A.
Protein change: p.Ala34Thr; replaces alanine 34 with threonine.
Molecular consequence: missense variant. On other transcripts: intron variant (1).
Genome position (GRCh38, 1-based): chr15:76,295,677, C>T on the plus strand (G>A on the coding strand, the complement: ETFA is on the minus strand). VCF-style: chr15-76295677-C-T. GRCh37 (hg19) VCF-style: chr15-76588018-C-T.
Other names: c.40-2977G>A (NM_001127716.2); short protein forms A34T.
Identifiers: ClinVar variation 2109279 (VCV002109279.4), dbSNP rs1282580037, ClinGen allele CA393517954.